The following is an entry in ClinVar:

NM_004304.5(ALK):c.979G>A (p.Ala327Thr)

Gene: ALK (ALK receptor tyrosine kinase; minus strand). Cytogenetic location: 2p23.2.
Variant type: single nucleotide variant.
Coding change: c.979G>A on transcript NM_004304.5 (MANE Select); coding-DNA position 979, G replaced by A.
Protein change: p.Ala327Thr; replaces alanine 327 with threonine.
Molecular consequence: missense variant.
Genome position (GRCh38, 1-based): chr2:29,532,090, C>T on the plus strand (G>A on the coding strand, the complement: ALK is on the minus strand). VCF-style: chr2-29532090-C-T. GRCh37 (hg19) VCF-style: chr2-29754956-C-T.
Other names: short protein forms A327T.
Identifiers: ClinVar variation 4870342 (VCV004870342.1).
Genomic context (GRCh38, chr2:29,532,090, plus strand): 5'-GTGTGCAGTGCTCACTGCTGCTCCTCATCCACGGACTCAGGATGGTGTGCTTGGAGTCAG[C>T]TGAGGTGTTGAGAAGGAGAAAGGAGCCTGGAAAGAGACAGGGAAAACGAATCTGCAGATG-3'
Protein context (NP_004295.2, residues 317-337): RGSFLLLNTS[Ala327Thr]DSKHTILSPW

ClinVar aggregate classification (germline): Uncertain significance (1 of 4 stars; one submission).

Conditions:
Hereditary cancer-predisposing syndrome. Also called: Neoplastic Syndromes, Hereditary; Tumor predisposition; Hereditary Cancer Syndrome; Hereditary neoplastic syndrome. Identifiers: Orphanet 140162, MedGen C0027672, MeSH D009386, MONDO:0015356.

Submission:

Ambry Genetics
Classification: Uncertain significance for Hereditary cancer-predisposing syndrome. Last evaluated: 2026-05-16. Review status: criteria provided, single submitter. Criteria: Ambry Variant Classification Scheme 2023. Collection method: clinical testing. Allele origin: germline.
Comment: The p.A327T variant (also known as c.979G>A), located in coding exon 4 of the ALK gene, results from a G to A substitution at nucleotide position 979. The alanine at codon 327 is replaced by threonine, an amino acid with similar properties. This amino acid position is conserved. In addition, this alteration is predicted to be tolerated by in silico analysis. Based on the available evidence, the clinical significance of this variant remains unclear.